The following is an entry in ClinVar:

ClinVar aggregate classification (germline): Uncertain significance (1 of 4 stars; one submission).

Conditions:
Malignant hyperthermia, susceptibility to, 5 (MHS5). Also called: CACNA1S-Related Malignant Hyperthermia Susceptibility. Identifiers: Orphanet 423, MedGen C1866077, MONDO:0011163, OMIM 601887.

Submission:

All of Us Research Program, National Institutes of Health
Classification: Uncertain significance for Malignant hyperthermia, susceptibility to, 5. Last evaluated: 2024-09-23. Review status: criteria provided, single submitter. Criteria: ACMG Guidelines, 2015. Collection method: clinical testing. Allele origin: germline. Inheritance: Autosomal dominant inheritance. Observed: 1 variant allele, 1 heterozygote.
Comment: This study involves interpretation of variants in research participants for the purpose of population health screening. Participant phenotype was not available at the time of variant classification. Additional details can be found in publication PMID: 35346344, PMCID: PMC8962531

NM_000069.3(CACNA1S):c.4657G>T (p.Val1553Leu)

Gene: CACNA1S (calcium voltage-gated channel subunit alpha1 S; minus strand). Cytogenetic location: 1q32.1.
Variant type: single nucleotide variant.
Coding change: c.4657G>T on transcript NM_000069.3 (MANE Select); coding-DNA position 4657, G replaced by T.
Protein change: p.Val1553Leu; replaces valine 1553 with leucine.
Molecular consequence: missense variant.
Genome position (GRCh38, 1-based): chr1:201,047,126, C>A on the plus strand (G>T on the coding strand, the complement: CACNA1S is on the minus strand). VCF-style: chr1-201047126-C-A. GRCh37 (hg19) VCF-style: chr1-201016254-C-A.
Other names: short protein forms V1553L.
Identifiers: ClinVar variation 3386295 (VCV003386295.1).